The following is an entry in ClinVar:

ClinVar aggregate classification (germline): Uncertain significance. Review status: criteria provided, multiple submitters, no conflicts (2 of 4 stars). 2 submissions from 2 submitters: Uncertain significance (2). Last evaluated 2026-02-19.

Allele frequency attached by ClinVar (database versions not stated): ESP Exome Variant Server 0.00008; TOPMed below 0.00001; gnomAD 0.00001; ExAC 0.00002; gnomAD exomes 0.00002.

Submissions (2):

Ambry Genetics
Classification: Uncertain significance. Last evaluated: 2026-02-19. Review status: criteria provided, single submitter. Criteria: Ambry Variant Classification Scheme 2023. Collection method: clinical testing. Allele origin: germline.
Comment: The p.I1171V variant (also known as c.3511A>G), located in coding exon 29 of the A2ML1 gene, results from an A to G substitution at nucleotide position 3511. The isoleucine at codon 1171 is replaced by valine, an amino acid with highly similar properties. This amino acid position is conserved. In addition, this alteration is predicted to be tolerated by in silico analysis. Based on the available evidence, the clinical significance of this variant remains unclear.

Labcorp Genetics (formerly Invitae), Labcorp
Classification: Uncertain significance. Last evaluated: 2024-01-21. Review status: criteria provided, single submitter. Criteria: Invitae Variant Classification Sherloc (09022015). Collection method: clinical testing. Allele origin: germline.
Comment: This sequence change replaces isoleucine, which is neutral and non-polar, with valine, which is neutral and non-polar, at codon 1171 of the A2ML1 protein (p.Ile1171Val). This variant is present in population databases (rs377220096, gnomAD 0.004%). This variant has not been reported in the literature in individuals affected with A2ML1-related conditions. Algorithms developed to predict the effect of missense changes on protein structure and function output the following: SIFT: "Not Available"; PolyPhen-2: "Benign"; Align-GVGD: "Not Available". The valine amino acid residue is found in multiple mammalian species, which suggests that this missense change does not adversely affect protein function. In summary, the available evidence is currently insufficient to determine the role of this variant in disease. Therefore, it has been classified as a Variant of Uncertain Significance.

NM_144670.6(A2ML1):c.3511A>G (p.Ile1171Val)

Gene: A2ML1 (alpha-2-macroglobulin like 1; plus strand). Cytogenetic location: 12p13.31.
Variant type: single nucleotide variant.
Coding change: c.3511A>G on transcript NM_144670.6 (MANE Select); coding-DNA position 3511, A replaced by G.
Protein change: p.Ile1171Val; replaces isoleucine 1171 with valine.
Molecular consequence: missense variant.
Genome position (GRCh38, 1-based): chr12:8,863,802, A>G. VCF-style: chr12-8863802-A-G. GRCh37 (hg19) VCF-style: chr12-9016398-A-G.
Other names: c.2038A>G, p.Ile680Val (NM_001282424.3); c.3511A>G (NM_144670.3); short protein forms I1171V, I680V.
Identifiers: ClinVar variation 2727341 (VCV002727341.4), dbSNP rs377220096, ClinGen allele CA6436408.